The following is an entry in ClinVar:

NM_001267550.2(TTN):c.100868del (p.Pro33623fs)

Genes: TTN (titin; minus strand), TTN-AS1 (TTN antisense RNA 1; plus strand). Cytogenetic location: 2q31.2.
Variant type: Deletion.
Coding change: c.100868del on transcript NM_001267550.2 (MANE Select); coding-DNA position 100868, one base deleted (C; older notation c.100868delC).
Protein change: p.Pro33623fs; shifts the reading frame from proline 33623.
Molecular consequence: frameshift variant. On other transcripts: non-coding transcript variant (1).
Genome position (GRCh38, 1-based): chr2:178,535,747, G deleted on the plus strand (C on the coding strand, the reverse complement: TTN is on the minus strand); the first of 2 consecutive G bases (chr2:178,535,747-178,535,748); deleting either gives the same sequence. VCF-style (leftmost placement, unchanged base first): chr2-178535746-TG-T. GRCh37 (hg19) VCF-style: chr2-179400473-TG-T.
Other names: c.95945del, p.Pro31982fs (NM_001256850.1); c.73673del, p.Pro24558fs (NM_003319.4); c.93164del, p.Pro31055fs (NM_133378.4); c.74048del, p.Pro24683fs (NM_133432.3); c.74249del, p.Pro24750fs (NM_133437.4); short protein forms P24558fs, P24683fs, P24750fs, P31055fs, P31982fs, P33623fs.
Identifiers: ClinVar variation 3238950 (VCV003238950.1), dbSNP rs2468586470.

ClinVar aggregate classification (germline): Likely pathogenic (1 of 4 stars; one submission).

Conditions:
Dilated cardiomyopathy 1G (CMD1G). Identifiers: Orphanet 154, MedGen C1858763, MONDO:0011400, OMIM 604145.

Submission:

KardioGenetik, Herz- und Diabeteszentrum NRW
Classification: Likely pathogenic for Dilated cardiomyopathy 1G. Last evaluated: 2024-04-19. Review status: criteria provided, single submitter. Criteria: ACMG Guidelines, 2015. Collection method: clinical testing. Allele origin: unknown. Affected: yes. Observed: 1 variant allele.
Comment: PVS1, PM2_supporting